The following is an entry in ClinVar:

ClinVar aggregate classification (germline): Uncertain significance (1 of 4 stars; one submission).

Conditions:
Tay-Sachs disease, variant AB. Also called: Gm2-gangliosidosis, ab variant; GM2 Activator Deficiency. Identifiers: Orphanet 309246, MedGen C0268275, MONDO:0010099, OMIM 272750.

Allele frequency attached by ClinVar (database versions not stated): ExAC 0.00002; gnomAD exomes 0.00003; ESP Exome Variant Server 0.00008; TOPMed 0.00028; gnomAD 0.00029.
gnomAD v4.1: 86 of 1,606,134 alleles (0.0054%); highest among the groups gnomAD compares: African/African-American, 0.11%; no homozygotes.

Submissions (2):

Labcorp Genetics (formerly Invitae), Labcorp
Classification: Uncertain significance for Tay-Sachs disease, variant AB. Last evaluated: 2022-07-26. Review status: criteria provided, single submitter. Criteria: Invitae Variant Classification Sherloc (09022015). Collection method: clinical testing. Allele origin: germline.
Comment: This sequence change falls in intron 1 of the GM2A gene. It does not directly change the encoded amino acid sequence of the GM2A protein. It affects a nucleotide within the consensus splice site. This variant is present in population databases (rs368443364, gnomAD 0.08%). This variant has not been reported in the literature in individuals affected with GM2A-related conditions. Variants that disrupt the consensus splice site are a relatively common cause of aberrant splicing (PMID: 17576681, 9536098). Algorithms developed to predict the effect of sequence changes on RNA splicing suggest that this variant is not likely to affect RNA splicing. In summary, the available evidence is currently insufficient to determine the role of this variant in disease. Therefore, it has been classified as a Variant of Uncertain Significance.

Dr. Peter K. Rogan Lab, Western University
No classification provided (evidence only). Condition: Cervical cancer. Review status: no classification provided. Collection method: in vitro. Allele origin: not applicable. Functional consequence: retained intron. Not counted in ClinVar's aggregate classification.

Literature cited by the submitters: PubMed 17576681 (cited by Labcorp Genetics (formerly Invitae), Labcorp); PubMed 9536098 (cited by Labcorp Genetics (formerly Invitae), Labcorp).

NM_000405.5(GM2A):c.81+4A>G

Gene: GM2A (ganglioside GM2 activator; plus strand). Cytogenetic location: 5q33.1.
Variant type: single nucleotide variant.
Coding change: c.81+4A>G on transcript NM_000405.5 (MANE Select); 4 bases into the intron after coding-DNA position 81, A replaced by G.
Molecular consequence: intron variant.
Genome position (GRCh38, 1-based): chr5:151,253,301, A>G. VCF-style: chr5-151253301-A-G. GRCh37 (hg19) VCF-style: chr5-150632862-A-G.
Other names: c.81+4A>G (NM_001167607.3).
Identifiers: ClinVar variation 2072336 (VCV002072336.2), dbSNP rs368443364, ClinGen allele CA3517848.